The following is an entry in ClinVar:

ClinVar aggregate classification (germline): Likely pathogenic (1 of 4 stars; one submission).

Conditions:
Dilated cardiomyopathy 1G (CMD1G). Identifiers: Orphanet 154, MedGen C1858763, MONDO:0011400, OMIM 604145.
Autosomal recessive limb-girdle muscular dystrophy type 2J (LGMDR10). Also called: Limb-girdle muscular dystrophy, type 2J; MUSCULAR DYSTROPHY, LIMB-GIRDLE, AUTOSOMAL RECESSIVE 10. Identifiers: Orphanet 140922, MedGen C1837342, MONDO:0012127, OMIM 608807.

Submission:

Labcorp Genetics (formerly Invitae), Labcorp
Classification: Likely pathogenic for Dilated cardiomyopathy 1G; Autosomal recessive limb-girdle muscular dystrophy type 2J. Last evaluated: 2024-10-28. Review status: criteria provided, single submitter. Criteria: Invitae Variant Classification Sherloc (09022015). Collection method: clinical testing. Allele origin: germline.
Comment: This sequence change creates a premature translational stop signal (p.His15201Argfs*10) in the TTN gene. While this is not anticipated to result in nonsense mediated decay, it is expected to create a truncated TTN protein. This variant is not present in population databases (gnomAD no frequency). This variant has not been observed in the literature in individuals with autosomal recessive TTN-related conditions. This variant has been reported in individual(s) with autosomal dominant dilated cardiomyopathy (internal data); however, the role of the variant in this condition is currently unclear. ClinVar contains an entry for this variant (Variation ID: 2078650). This variant is located in the I band of TTN (PMID: 25589632). Truncating variants in this region have been reported in individuals affected with autosomal recessive centronuclear myopathy (PMID: 23975875, internal data). Truncating variants in this region have also been identified in individuals affected with autosomal dominant dilated cardiomyopathy and/or cardio-related conditions (PMID: 27869827, 32964742, internal data). In summary, the currently available evidence indicates that the variant is pathogenic, but additional data are needed to prove that conclusively. Therefore, this variant has been classified as Likely Pathogenic.

Literature cited by the submitters: PubMed 25589632; PubMed 23975875; PubMed 27869827; PubMed 32964742.

NM_001267550.2(TTN):c.45602_45605del (p.His15201fs)

Genes: TTN (titin; minus strand), LOC126806427 (BRD4-independent group 4 enhancer GRCh37_chr2:179485777-179486976; plus strand). Cytogenetic location: 2q31.2.
Variant type: Deletion.
Coding change: c.45602_45605del on transcript NM_001267550.2 (MANE Select); coding-DNA positions 45602 to 45605, 4 bases deleted (ACTT; older notation c.45602_45605delACTT).
Protein change: p.His15201fs; shifts the reading frame from histidine 15201.
Molecular consequence: frameshift variant.
Genome position (GRCh38, 1-based): chr2:178,621,113-178,621,116, AAGT deleted on the plus strand (ACTT on the coding strand, the reverse complement: TTN is on the minus strand). VCF-style (leftmost placement, unchanged base first): chr2-178621112-CAAGT-C. GRCh37 (hg19) VCF-style: chr2-179485839-CAAGT-C.
Other names: c.40679_40682del, p.His13560fs (NM_001256850.1); c.18407_18410del, p.His6136fs (NM_003319.4); c.37898_37901del, p.His12633fs (NM_133378.4); c.18782_18785del, p.His6261fs (NM_133432.3); c.18983_18986del, p.His6328fs (NM_133437.4); short protein forms H12633fs, H6136fs, H6328fs, H13560fs, H6261fs, H15201fs.
Identifiers: ClinVar variation 2078650 (VCV002078650.4), dbSNP rs2471032992, ClinGen allele CA2580065057.